The following is an entry in ClinVar:

NM_005419.4(STAT2):c.1528C>T (p.Arg510Ter)

Gene: STAT2 (signal transducer and activator of transcription 2; minus strand). Cytogenetic location: 12q13.3.
Variant type: single nucleotide variant.
Coding change: c.1528C>T on transcript NM_005419.4 (MANE Select); coding-DNA position 1528, C replaced by T.
Protein change: p.Arg510Ter; replaces arginine 510 with a stop codon.
Molecular consequence: nonsense.
Genome position (GRCh38, 1-based): chr12:56,348,972, G>A on the plus strand (C>T on the coding strand, the complement: STAT2 is on the minus strand). VCF-style: chr12-56348972-G-A. GRCh37 (hg19) VCF-style: chr12-56742756-G-A.
Other names: c.1495C>T, p.Arg499Ter (NM_001385110.1); c.1429C>T, p.Arg477Ter (NM_001385111.1); c.1528C>T, p.Arg510Ter (NM_001385113.1); c.1507C>T, p.Arg503Ter (NM_001385114.1); c.1486C>T, p.Arg496Ter (NM_001385115.1); c.1516C>T, p.Arg506Ter (NM_198332.2); short protein forms R496*, R499*, R506*, R477*, R503*, R510*.
Identifiers: ClinVar variation 1453231 (VCV001453231.8), dbSNP rs2136053029, ClinGen allele CA385260671.
Genomic context (GRCh38, chr12:56,348,972, plus strand): 5'-GGAAATCTGTACCGAACAGCTTGTTTCTCAGCATGCTCAGCTGGTCTGAGTTGAGGCCTC[G>A]GCCAACATAGGAGGAGAACTGCCAACTGAGAGCAGGGCCCAGCAAGCTCCAGGGGGCCTT-3'

ClinVar aggregate classification (germline): Pathogenic (1 of 4 stars; one submission).

Conditions:
Primary immunodeficiency with post-measles-mumps-rubella vaccine viral infection. Also called: Immunodeficiency 44. Identifiers: Orphanet 431166, MedGen C4225260, MONDO:0014715, OMIM 616636.

Allele frequency attached by ClinVar (database versions not stated): gnomAD exomes below 0.00001.
gnomAD v4.1: 3 of 1,613,866 alleles (0.00019%); highest among the groups gnomAD compares: Non-Finnish European, 0.00025%; no homozygotes.

Submission:

Labcorp Genetics (formerly Invitae), Labcorp
Classification: Pathogenic for Primary immunodeficiency with post-measles-mumps-rubella vaccine viral infection. Last evaluated: 2024-04-25. Review status: criteria provided, single submitter. Criteria: Invitae Variant Classification Sherloc (09022015). Collection method: clinical testing. Allele origin: germline.
Comment: This sequence change creates a premature translational stop signal (p.Arg510*) in the STAT2 gene. It is expected to result in an absent or disrupted protein product. Loss-of-function variants in STAT2 are known to be pathogenic (PMID: 23391734, 26122121). This variant is not present in population databases (gnomAD no frequency). This premature translational stop signal has been observed in individual(s) with STAT2 deficiency (PMID: 28087227). ClinVar contains an entry for this variant (Variation ID: 1453231). Algorithms developed to predict the effect of sequence changes on RNA splicing suggest that this variant may disrupt the consensus splice site. For these reasons, this variant has been classified as Pathogenic.

Literature cited by the submitters: PubMed 23391734; PubMed 26122121; PubMed 28087227.